The following is an entry in ClinVar:

ClinVar aggregate classification (germline): Uncertain significance (1 of 4 stars; one submission).

Conditions:
Dyskeratosis congenita, autosomal dominant 6 (DKCA6). Identifiers: Orphanet 3322, MedGen C4225284, MONDO:0014690, OMIM 616553.

gnomAD v4.1: 4 of 1,579,208 alleles (0.00025%); highest among the groups gnomAD compares: Non-Finnish European, 0.00034%; no homozygotes.

Submission:

Labcorp Genetics (formerly Invitae), Labcorp
Classification: Uncertain significance for Dyskeratosis congenita, autosomal dominant 6. Last evaluated: 2025-04-07. Review status: criteria provided, single submitter. Criteria: Invitae Variant Classification Sherloc (09022015). Collection method: clinical testing. Allele origin: germline.
Comment: This sequence change falls in intron 8 of the ACD gene. It does not directly change the encoded amino acid sequence of the ACD protein. It affects a nucleotide within the consensus splice site. This variant is not present in population databases (gnomAD no frequency). This variant has not been reported in the literature in individuals affected with ACD-related conditions. Variants that disrupt the consensus splice site are a relatively common cause of aberrant splicing (PMID: 17576681, 9536098). Algorithms developed to predict the effect of sequence changes on RNA splicing suggest that this variant is not likely to affect RNA splicing. In summary, the available evidence is currently insufficient to determine the role of this variant in disease. Therefore, it has been classified as a Variant of Uncertain Significance.

Literature cited by the submitters: PubMed 17576681; PubMed 9536098.

NM_001082486.2(ACD):c.743-3C>T

Gene: ACD (ACD shelterin complex subunit and telomerase recruitment factor; minus strand). Cytogenetic location: 16q22.1.
Variant type: single nucleotide variant.
Coding change: c.743-3C>T on transcript NM_001082486.2 (MANE Select); 3 bases into the intron before coding-DNA position 743, C replaced by T.
Molecular consequence: intron variant.
Genome position (GRCh38, 1-based): chr16:67,658,644, G>A on the plus strand (C>T on the coding strand, the complement: ACD is on the minus strand). VCF-style: chr16-67658644-G-A. GRCh37 (hg19) VCF-style: chr16-67692547-G-A.
Other names: c.734-3C>T (NM_022914.3); c.742+76C>T (NM_001410884.1).
Identifiers: ClinVar variation 4797673 (VCV004797673.1).